The following is an entry in ClinVar:

NM_001379270.1(CNGA1):c.1053G>C (p.Trp351Cys)

Genes: CNGA1 (cyclic nucleotide gated channel subunit alpha 1; minus strand), LOC101927157 (uncharacterized LOC101927157; plus strand). Cytogenetic location: 4p12.
Variant type: single nucleotide variant.
Coding change: c.1053G>C on transcript NM_001379270.1 (MANE Select); coding-DNA position 1053, G replaced by C.
Protein change: p.Trp351Cys; replaces tryptophan 351 with cysteine.
Molecular consequence: missense variant.
Genome position (GRCh38, 1-based): chr4:47,937,429, C>G on the plus strand (G>C on the coding strand, the complement: CNGA1 is on the minus strand). VCF-style: chr4-47937429-C-G. GRCh37 (hg19) VCF-style: chr4-47939446-C-G.
Other names: c.1053G>C, p.Trp351Cys (NM_000087.5, NM_001142564.2); short protein forms W351C.
Identifiers: ClinVar variation 1382989 (VCV001382989.6), dbSNP rs760217797, ClinGen allele CA356827306.

ClinVar aggregate classification (germline): Uncertain significance (1 of 4 stars; one submission).

Submission:

Labcorp Genetics (formerly Invitae), Labcorp
Classification: Uncertain significance. Last evaluated: 2021-09-24. Review status: criteria provided, single submitter. Criteria: Invitae Variant Classification Sherloc (09022015). Collection method: clinical testing. Allele origin: germline.
Comment: In summary, the available evidence is currently insufficient to determine the role of this variant in disease. Therefore, it has been classified as a Variant of Uncertain Significance. Algorithms developed to predict the effect of missense changes on protein structure and function (SIFT, PolyPhen-2, Align-GVGD) all suggest that this variant is likely to be disruptive. This missense change has been observed in individual(s) with clinical features of retinitis pigmentosa (Invitae). This variant is not present in population databases (ExAC no frequency). This sequence change replaces tryptophan with cysteine at codon 355 of the CNGA1 protein (p.Trp355Cys). The tryptophan residue is highly conserved and there is a large physicochemical difference between tryptophan and cysteine.